The following is an entry in ClinVar:

NM_006662.3(SRCAP):c.7520C>T (p.Pro2507Leu)

Gene: SRCAP (Snf2 related CREBBP activator protein; plus strand). Cytogenetic location: 16p11.2.
Variant type: single nucleotide variant.
Coding change: c.7520C>T on transcript NM_006662.3 (MANE Select); coding-DNA position 7520, C replaced by T.
Protein change: p.Pro2507Leu; replaces proline 2507 with leucine.
Molecular consequence: missense variant.
Genome position (GRCh38, 1-based): chr16:30,737,560, C>T. VCF-style: chr16-30737560-C-T. GRCh37 (hg19) VCF-style: chr16-30748881-C-T.
Other names: short protein forms P2507L.
Identifiers: ClinVar variation 981122 (VCV000981122.4), dbSNP rs2053173193, ClinGen allele CA395633343.

ClinVar aggregate classification (germline): Uncertain significance. Review status: criteria provided, multiple submitters, no conflicts (2 of 4 stars). 3 submissions from 3 submitters: Uncertain significance (3). Last evaluated 2024-02-28.

Conditions:
Developmental delay, hypotonia, musculoskeletal defects, and behavioral abnormalities. Identifiers: MedGen C5562012, MONDO:0859202, OMIM 619595.
Floating-Harbor syndrome (FLHS). Also called: Short stature with delayed bone age, expressive language delay, a triangular face with a prominent nose and deep-set eyes; Pelletier-Leisti syndrome; SRCAP-Related Floating-Harbor Syndrome. Identifiers: Orphanet 2044, MedGen C0729582, MONDO:0007621, OMIM 136140.

gnomAD v4.1: 1 of 1,614,034 alleles (0.000062%); highest among the groups gnomAD compares: South Asian, 0.0011%; no homozygotes.

Submissions (3):

Labcorp Genetics (formerly Invitae), Labcorp
Classification: Uncertain significance. Last evaluated: 2024-02-28. Review status: criteria provided, single submitter. Criteria: Invitae Variant Classification Sherloc (09022015). Collection method: clinical testing. Allele origin: germline.
Comment: This sequence change replaces proline, which is neutral and non-polar, with leucine, which is neutral and non-polar, at codon 2507 of the SRCAP protein (p.Pro2507Leu). This variant is not present in population databases (gnomAD no frequency). This variant has not been reported in the literature in individuals affected with SRCAP-related conditions. ClinVar contains an entry for this variant (Variation ID: 981122). Advanced modeling of protein sequence and biophysical properties (such as structural, functional, and spatial information, amino acid conservation, physicochemical variation, residue mobility, and thermodynamic stability) performed at Invitae indicates that this missense variant is not expected to disrupt SRCAP protein function with a negative predictive value of 80%. In summary, the available evidence is currently insufficient to determine the role of this variant in disease. Therefore, it has been classified as a Variant of Uncertain Significance.

Fulgent Genetics
Classification: Uncertain significance for Floating-Harbor syndrome; Developmental delay, hypotonia, musculoskeletal defects, and behavioral abnormalities. Last evaluated: 2021-08-25. Review status: criteria provided, single submitter. Criteria: ACMG Guidelines, 2015. Collection method: clinical testing. Allele origin: unknown.

Women's Health and Genetics/Laboratory Corporation of America, LabCorp
Classification: Uncertain significance. Last evaluated: 2020-09-30. Review status: criteria provided, single submitter. Criteria: LabCorp Variant Classification Summary - May 2015. Collection method: clinical testing. Allele origin: germline.
Comment: Variant summary: SRCAP c.7520C>T (p.Pro2507Leu) results in a non-conservative amino acid change in the encoded protein sequence. Three of five in-silico tools predict a benign effect of the variant on protein function. The variant was absent in 251392 control chromosomes (gnomAD). The available data on variant occurrences in the general population are insufficient to allow any conclusion about variant significance. To our knowledge, no occurrence of c.7520C>T in individuals affected with Floating-Harbor Syndrome and no experimental evidence demonstrating its impact on protein function have been reported. No clinical diagnostic laboratories have submitted clinical-significance assessments for this variant to ClinVar after 2014. Based on the evidence outlined above, the variant was classified as uncertain significance.